The following is an entry in ClinVar:

ClinVar aggregate classification (germline): Uncertain significance (1 of 4 stars; one submission).

Conditions:
RYR1-related disorder. Also called: RYR1-related condition; RYR1-related disorders. Identifiers: MedGen CN239331.

Submission:

Labcorp Genetics (formerly Invitae), Labcorp
Classification: Uncertain significance for RYR1-related disorder. Last evaluated: 2024-11-19. Review status: criteria provided, single submitter. Criteria: Invitae Variant Classification Sherloc (09022015). Collection method: clinical testing. Allele origin: germline.
Comment: This sequence change replaces glutamic acid, which is acidic and polar, with aspartic acid, which is acidic and polar, at codon 2972 of the RYR1 protein (p.Glu2972Asp). This variant is not present in population databases (gnomAD no frequency). This variant has not been reported in the literature in individuals affected with RYR1-related conditions. Invitae Evidence Modeling of protein sequence and biophysical properties (such as structural, functional, and spatial information, amino acid conservation, physicochemical variation, residue mobility, and thermodynamic stability) indicates that this missense variant is not expected to disrupt RYR1 protein function with a negative predictive value of 80%. In summary, the available evidence is currently insufficient to determine the role of this variant in disease. Therefore, it has been classified as a Variant of Uncertain Significance.

NM_000540.3(RYR1):c.8916G>C (p.Glu2972Asp)

Gene: RYR1 (ryanodine receptor 1; plus strand). Cytogenetic location: 19q13.2.
Variant type: single nucleotide variant.
Coding change: c.8916G>C on transcript NM_000540.3 (MANE Select); coding-DNA position 8916, G replaced by C.
Protein change: p.Glu2972Asp; replaces glutamic acid 2972 with aspartic acid.
Molecular consequence: missense variant.
Genome position (GRCh38, 1-based): chr19:38,507,811, G>C. VCF-style: chr19-38507811-G-C. GRCh37 (hg19) VCF-style: chr19-38998451-G-C.
Other names: c.8916G>C, p.Glu2972Asp (NM_001042723.2); short protein forms E2972D.
Identifiers: ClinVar variation 3699326 (VCV003699326.2).
Genomic context (GRCh38, chr19:38,507,811, plus strand): 5'-AAAGCGGTTTGCCTTTGGCTTCCTGCAGCAGCTGCTGCGCTGGATGGACATTTCTCAGGA[G>C]TTCATTGCCCACCTGGGTACGGAGAAATACCCCCCGCTTATGCCCGCCCCACCTGCAGAC-3'
Protein context (NP_000531.2, residues 2962-2982): QLLRWMDISQ[Glu2972Asp]FIAHLEAVVS